The following is an entry in ClinVar:

NM_004629.2(FANCG):c.1801C>T (p.Arg601Cys)

Gene: FANCG (FA complementation group G; minus strand). Cytogenetic location: 9p13.3.
Variant type: single nucleotide variant.
Coding change: c.1801C>T on transcript NM_004629.2 (MANE Select); coding-DNA position 1801, C replaced by T.
Protein change: p.Arg601Cys; replaces arginine 601 with cysteine.
Molecular consequence: missense variant.
Genome position (GRCh38, 1-based): chr9:35,074,176, G>A on the plus strand (C>T on the coding strand, the complement: FANCG is on the minus strand). VCF-style: chr9-35074176-G-A. GRCh37 (hg19) VCF-style: chr9-35074173-G-A.
Other names: short protein forms R601C.
Identifiers: ClinVar variation 666016 (VCV000666016.10), dbSNP rs368098479, ClinGen allele CA5039618.

ClinVar aggregate classification (germline): Uncertain significance. Review status: criteria provided, multiple submitters, no conflicts (2 of 4 stars). 5 submissions from 5 submitters: Uncertain significance (4). 1 of the submissions does not count toward it. Last evaluated 2026-02-05.

Conditions:
Fanconi anemia complementation group G. Also called: FANCG-Related Fanconi Anemia; Fanconi anemia group G. Identifiers: Orphanet 84, MedGen C3469527, MONDO:0013565, OMIM 614082.
Fanconi anemia (FA). Also called: Fanconi's anemia. Identifiers: Orphanet 84, MedGen C0015625, MeSH D005199, MONDO:0019391.

Allele frequency attached by ClinVar (database versions not stated): ESP Exome Variant Server 0.00008; gnomAD exomes 0.00004 and 0.00009; ExAC 0.00004; TOPMed 0.00005; gnomAD 0.00006.
gnomAD v4.1: 138 of 1,613,920 alleles (0.0086%); highest among the groups gnomAD compares: Non-Finnish European, 0.011%; no homozygotes.

Submissions (5):

Dasa
Classification: Uncertain significance. Last evaluated: 2026-02-05. Review status: criteria provided, single submitter. Criteria: DASA Assertion Criteria. Collection method: clinical testing. Allele origin: germline.
Comment: NM_004629.2(FANCG):c.1801C>T (p.Arg601Cys) is a missense variant that results in the substitution of arginine with cysteine. This variant is rare in population databases. Computational prediction algorithms are consistent with a benign effect. The currently available literature and clinical evidence are not sufficient to establish a definitive association between this variant and the reported condition. Therefore, this variant is classified as a variant of uncertain significance.

Labcorp Genetics (formerly Invitae), Labcorp
Classification: Uncertain significance for Fanconi anemia. Last evaluated: 2024-11-03. Review status: criteria provided, single submitter. Criteria: Invitae Variant Classification Sherloc (09022015). Collection method: clinical testing. Allele origin: germline.
Comment: This sequence change replaces arginine, which is basic and polar, with cysteine, which is neutral and slightly polar, at codon 601 of the FANCG protein (p.Arg601Cys). This variant is present in population databases (rs368098479, gnomAD 0.01%). This variant has not been reported in the literature in individuals affected with FANCG-related conditions. ClinVar contains an entry for this variant (Variation ID: 666016). Invitae Evidence Modeling of protein sequence and biophysical properties (such as structural, functional, and spatial information, amino acid conservation, physicochemical variation, residue mobility, and thermodynamic stability) indicates that this missense variant is not expected to disrupt FANCG protein function with a negative predictive value of 80%. In summary, the available evidence is currently insufficient to determine the role of this variant in disease. Therefore, it has been classified as a Variant of Uncertain Significance.

Fulgent Genetics
Classification: Uncertain significance for Fanconi anemia complementation group G. Last evaluated: 2024-04-19. Review status: criteria provided, single submitter. Criteria: ACMG Guidelines, 2015. Collection method: clinical testing. Allele origin: germline.

St. Jude Molecular Pathology, St. Jude Children's Research Hospital
Classification: Uncertain significance for Fanconi anemia complementation group G. Last evaluated: 2023-11-06. Review status: criteria provided, single submitter. Criteria: St. Jude Assertion Criteria 2020. Collection method: clinical testing. Allele origin: germline.
Comment: The FANCG c.1801C>T (p.Arg601Cys) missense change has a maximum subpopulation frequency of 0.012% in gnomAD v2.1.1. The in silico tool REVEL predicts a benign effect on protein function, but to our knowledge this prediction has not been confirmed by functional studies. To our knowledge, this variant has not been reported in individuals with Fanconi anemia. In summary, the evidence currently available is insufficient to determine the clinical significance of this variant. It has therefore been classified as of uncertain significance.

Natera, Inc.
Classification: Uncertain significance for Fanconi anemia group G. Last evaluated: 2020-09-16. Review status: no assertion criteria provided. Collection method: clinical testing. Allele origin: germline. Not counted in ClinVar's aggregate classification.